The following is an entry in ClinVar:

NM_020435.4(GJC2):c.985T>C (p.Cys329Arg)

Gene: GJC2 (gap junction protein gamma 2; plus strand). Cytogenetic location: 1q42.13.
Variant type: single nucleotide variant.
Coding change: c.985T>C on transcript NM_020435.4 (MANE Select); coding-DNA position 985, T replaced by C.
Protein change: p.Cys329Arg; replaces cysteine 329 with arginine.
Molecular consequence: missense variant.
Genome position (GRCh38, 1-based): chr1:228,158,743, T>C. VCF-style: chr1-228158743-T-C. GRCh37 (hg19) VCF-style: chr1-228346444-T-C.
Other names: short protein forms C329R.
Identifiers: ClinVar variation 3619555 (VCV003619555.2).

ClinVar aggregate classification (germline): Uncertain significance (1 of 4 stars; one submission).

Conditions:
Spastic paraplegia. Identifiers: MedGen C0037772, HP:0001258.

Submission:

Labcorp Genetics (formerly Invitae), Labcorp
Classification: Uncertain significance for Spastic paraplegia. Last evaluated: 2025-01-20. Review status: criteria provided, single submitter. Criteria: Invitae Variant Classification Sherloc (09022015). Collection method: clinical testing. Allele origin: germline.
Comment: This sequence change replaces cysteine, which is neutral and slightly polar, with arginine, which is basic and polar, at codon 329 of the GJC2 protein (p.Cys329Arg). This variant is not present in population databases (gnomAD no frequency). This variant has not been reported in the literature in individuals affected with GJC2-related conditions. Invitae Evidence Modeling of protein sequence and biophysical properties (such as structural, functional, and spatial information, amino acid conservation, physicochemical variation, residue mobility, and thermodynamic stability) has been performed for this missense variant. However, the output from this modeling did not meet the statistical confidence thresholds required to predict the impact of this variant on GJC2 protein function. In summary, the available evidence is currently insufficient to determine the role of this variant in disease. Therefore, it has been classified as a Variant of Uncertain Significance.